The following is an entry in ClinVar:

NM_005051.3(QARS1):c.679del (p.Glu227fs)

Gene: QARS1 (glutaminyl-tRNA synthetase 1; minus strand). Cytogenetic location: 3p21.31.
Variant type: Deletion.
Coding change: c.679del on transcript NM_005051.3 (MANE Select); coding-DNA position 679, one base deleted (G; older notation c.679delG).
Protein change: p.Glu227fs; shifts the reading frame from glutamic acid 227.
Molecular consequence: frameshift variant. On other transcripts: non-coding transcript variant (1).
Genome position (GRCh38, 1-based): chr3:49,101,852, C deleted on the plus strand (G on the coding strand, the reverse complement: QARS1 is on the minus strand); the first of 6 consecutive C bases (chr3:49,101,852-49,101,857); deleting any one gives the same sequence. VCF-style (leftmost placement, unchanged base first): chr3-49101851-TC-T. GRCh37 (hg19) VCF-style: chr3-49139284-TC-T.
Other names: c.646del, p.Glu216fs (NM_001272073.2); short protein forms E216fs, E227fs.
Identifiers: ClinVar variation 1076068 (VCV001076068.5), dbSNP rs772343264, ClinGen allele CA74476593.

ClinVar aggregate classification (germline): Pathogenic (1 of 4 stars; one submission).

Conditions:
Diffuse cerebral and cerebellar atrophy - intractable seizures - progressive microcephaly syndrome. Also called: Microcephaly, progressive, with seizures and cerebral and cerebellar atrophy. Identifiers: Orphanet 404437, MedGen C4014239, MONDO:0014335, OMIM 615760.

Submission:

Labcorp Genetics (formerly Invitae), Labcorp
Classification: Pathogenic for Diffuse cerebral and cerebellar atrophy - intractable seizures - progressive microcephaly syndrome. Last evaluated: 2022-03-19. Review status: criteria provided, single submitter. Criteria: Invitae Variant Classification Sherloc (09022015). Collection method: clinical testing. Allele origin: germline.
Comment: This variant is not present in population databases (gnomAD no frequency). This variant has not been reported in the literature in individuals affected with QARS-related conditions. This sequence change creates a premature translational stop signal (p.Glu227Argfs*24) in the QARS gene. It is expected to result in an absent or disrupted protein product. Loss-of-function variants in QARS are known to be pathogenic (PMID: 24656866, 25471517). For these reasons, this variant has been classified as Pathogenic. ClinVar contains an entry for this variant (Variation ID: 1076068).

Literature cited by the submitters: PubMed 24656866; PubMed 25471517.